The following is an entry in ClinVar:

NM_000540.3(RYR1):c.7384C>A (p.Pro2462Thr)

Gene: RYR1 (ryanodine receptor 1; plus strand). Cytogenetic location: 19q13.2.
Variant type: single nucleotide variant.
Coding change: c.7384C>A on transcript NM_000540.3 (MANE Select); coding-DNA position 7384, C replaced by A.
Protein change: p.Pro2462Thr; replaces proline 2462 with threonine.
Molecular consequence: missense variant.
Genome position (GRCh38, 1-based): chr19:38,500,666, C>A. VCF-style: chr19-38500666-C-A. GRCh37 (hg19) VCF-style: chr19-38991306-C-A.
Other names: c.7384C>A, p.Pro2462Thr (NM_001042723.2); short protein forms P2462T.
Identifiers: ClinVar variation 3730723 (VCV003730723.3).

ClinVar aggregate classification (germline): Uncertain significance. Review status: criteria provided, multiple submitters, no conflicts (2 of 4 stars). 2 submissions from 2 submitters: Uncertain significance (2). Last evaluated 2025-06-09.

Conditions:
Malignant hyperthermia, susceptibility to, 1 (MHS1). Also called: Anesthesia related hyperthermia; Malignant hyperpyrexia; Fulminating hyperpyrexia; Pharmacogenic myopathy; Malignant hyperthermia suceptibility 1; RYR1-Related Malignant Hyperthermia Susceptibility. Identifiers: Orphanet 423, MedGen C2930980, MONDO:0007783, OMIM 145600.
RYR1-related disorder. Also called: RYR1-related condition; RYR1-related disorders. Identifiers: MedGen CN239331.

gnomAD v4.1: 4 of 1,614,082 alleles (0.00025%); highest among the groups gnomAD compares: Non-Finnish European, 0.00034%; no homozygotes.

Submissions (2):

Color Diagnostics, LLC DBA Color Health
Classification: Uncertain significance for Malignant hyperthermia, susceptibility to, 1. Last evaluated: 2025-06-09. Review status: criteria provided, single submitter. Criteria: ACMG Guidelines, 2015. Collection method: clinical testing. Allele origin: germline.
Comment: This missense variant replaces proline with threonine at codon 2462 of the RYR1 protein. Computational prediction suggests that this variant may have deleterious impact on protein structure and function. To our knowledge, functional studies have not been reported for this variant. This variant has not been reported in individuals affected with RYR1-related disorders in the literature. This variant has not been identified in the general population by the Genome Aggregation Database (gnomAD). The available evidence is insufficient to determine the role of this variant in disease conclusively. Therefore, this variant is classified as a Variant of Uncertain Significance.

Labcorp Genetics (formerly Invitae), Labcorp
Classification: Uncertain significance for RYR1-related disorder. Last evaluated: 2024-03-04. Review status: criteria provided, single submitter. Criteria: Invitae Variant Classification Sherloc (09022015). Collection method: clinical testing. Allele origin: germline.
Comment: This sequence change replaces proline, which is neutral and non-polar, with threonine, which is neutral and polar, at codon 2462 of the RYR1 protein (p.Pro2462Thr). This variant is not present in population databases (gnomAD no frequency). This variant has not been reported in the literature in individuals affected with RYR1-related conditions. Advanced modeling of protein sequence and biophysical properties (such as structural, functional, and spatial information, amino acid conservation, physicochemical variation, residue mobility, and thermodynamic stability) performed at Invitae indicates that this missense variant is expected to disrupt RYR1 protein function with a positive predictive value of 95%. In summary, the available evidence is currently insufficient to determine the role of this variant in disease. Therefore, it has been classified as a Variant of Uncertain Significance.